The following is an entry in ClinVar:

ClinVar aggregate classification (germline): Uncertain significance (1 of 4 stars; one submission).

Conditions:
BAP1-related tumor predisposition syndrome (TPDS1). Also called: Tumor susceptibility linked to germline BAP1 mutations; COMMON Syndrome; BAP1 tumor predisposition syndrome; TUMOR PREDISPOSITION SYNDROME 1. Identifiers: Orphanet 289539, MedGen C3280492, MONDO:0013692, OMIM 614327.

Submission:

Labcorp Genetics (formerly Invitae), Labcorp
Classification: Uncertain significance for BAP1-related tumor predisposition syndrome. Last evaluated: 2021-06-23. Review status: criteria provided, single submitter. Criteria: Invitae Variant Classification Sherloc (09022015). Collection method: clinical testing. Allele origin: germline.
Comment: In summary, the available evidence is currently insufficient to determine the role of this variant in disease. Therefore, it has been classified as a Variant of Uncertain Significance. Algorithms developed to predict the effect of missense changes on protein structure and function output the following: SIFT: "Tolerated"; PolyPhen-2: "Benign"; Align-GVGD: "Class C0". The threonine amino acid residue is found in multiple mammalian species, suggesting that this missense change does not adversely affect protein function. These predictions have not been confirmed by published functional studies and their clinical significance is uncertain. This variant has not been reported in the literature in individuals with BAP1-related conditions. This variant is not present in population databases (ExAC no frequency). This sequence change replaces alanine with threonine at codon 317 of the BAP1 protein (p.Ala317Thr). The alanine residue is moderately conserved and there is a small physicochemical difference between alanine and threonine.

NM_004656.4(BAP1):c.949G>A (p.Ala317Thr)

Gene: BAP1 (BRCA1 associated deubiquitinase 1; minus strand). Cytogenetic location: 3p21.1.
Variant type: single nucleotide variant.
Coding change: c.949G>A on transcript NM_004656.4 (MANE Select); coding-DNA position 949, G replaced by A.
Protein change: p.Ala317Thr; replaces alanine 317 with threonine.
Molecular consequence: missense variant.
Genome position (GRCh38, 1-based): chr3:52,405,277, C>T on the plus strand (G>A on the coding strand, the complement: BAP1 is on the minus strand). VCF-style: chr3-52405277-C-T. GRCh37 (hg19) VCF-style: chr3-52439293-C-T.
Other names: short protein forms A317T.
Identifiers: ClinVar variation 1504757 (VCV001504757.8), dbSNP rs2153227079, ClinGen allele CA353106297.